The following is an entry in ClinVar:

ClinVar aggregate classification (germline): Uncertain significance (1 of 4 stars; one submission).

Conditions:
TRIM28-related disorder. Also called: TRIM28-related condition.

Submission:

PreventionGenetics, part of Exact Sciences
Classification: Uncertain significance for TRIM28-related condition. Last evaluated: 2025-03-10. Review status: criteria provided, single submitter. Criteria: ACMG Guidelines, 2015. Collection method: clinical testing. Allele origin: germline.
Comment: The TRIM28 c.1751G>A variant is predicted to result in the amino acid substitution p.Gly584Asp. To our knowledge, this variant has not been reported in the literature or in a large population database (gnomAD), indicating this variant is rare. At this time, the clinical significance of this variant is uncertain due to the absence of conclusive functional and genetic evidence.

NM_005762.3(TRIM28):c.1751G>A (p.Gly584Asp)

Gene: TRIM28 (tripartite motif containing 28; plus strand). Cytogenetic location: 19q13.43.
Variant type: single nucleotide variant.
Coding change: c.1751G>A on transcript NM_005762.3 (MANE Select); coding-DNA position 1751, G replaced by A.
Protein change: p.Gly584Asp; replaces glycine 584 with aspartic acid.
Molecular consequence: missense variant.
Genome position (GRCh38, 1-based): chr19:58,549,419, G>A. VCF-style: chr19-58549419-G-A. GRCh37 (hg19) VCF-style: chr19-59060786-G-A.
Other names: short protein forms G584D.
Identifiers: ClinVar variation 5001657 (VCV005001657.1).